The following is an entry in ClinVar:

NM_000091.5(COL4A3):c.2612G>T (p.Gly871Val)

Genes: COL4A3 (collagen type IV alpha 3 chain; plus strand), MFF-DT (MFF divergent transcript; minus strand). Cytogenetic location: 2q36.3.
Variant type: single nucleotide variant.
Coding change: c.2612G>T on transcript NM_000091.5 (MANE Select); coding-DNA position 2612, G replaced by T.
Protein change: p.Gly871Val; replaces glycine 871 with valine.
Molecular consequence: missense variant.
Genome position (GRCh38, 1-based): chr2:227,282,488, G>T. VCF-style: chr2-227282488-G-T. GRCh37 (hg19) VCF-style: chr2-228147204-G-T.
Other names: short protein forms G871V.
Identifiers: ClinVar variation 1468167 (VCV001468167.6), dbSNP rs1402894646, ClinGen allele CA350850633.

ClinVar aggregate classification (germline): Likely pathogenic (1 of 4 stars; one submission).

Submission:

Labcorp Genetics (formerly Invitae), Labcorp
Classification: Likely pathogenic. Last evaluated: 2021-10-17. Review status: criteria provided, single submitter. Criteria: Invitae Variant Classification Sherloc (09022015). Collection method: clinical testing. Allele origin: germline.
Comment: This variant has not been reported in the literature in individuals affected with COL4A3-related conditions. In summary, the currently available evidence indicates that the variant is pathogenic, but additional data are needed to prove that conclusively. Therefore, this variant has been classified as Likely Pathogenic. This variant disrupts the p.Gly871 amino acid residue in COL4A3. Other variant(s) that disrupt this residue have been determined to be pathogenic (PMID: 17942953, 25514610). This suggests that this residue is clinically significant, and that variants that disrupt this residue are likely to be disease-causing. Advanced modeling of protein sequence and biophysical properties (such as structural, functional, and spatial information, amino acid conservation, physicochemical variation, residue mobility, and thermodynamic stability) performed at Invitae indicates that this missense variant is expected to disrupt COL4A3 protein function. This variant is not present in population databases (ExAC no frequency). This sequence change replaces glycine with valine at codon 871 of the COL4A3 protein (p.Gly871Val). The glycine residue is highly conserved and there is a moderate physicochemical difference between glycine and valine.

Literature cited by the submitters: PubMed 17942953; PubMed 25514610.